The following is an entry in ClinVar:

NM_001042492.3(NF1):c.5935A>G (p.Ile1979Val)

Gene: NF1 (neurofibromin 1; plus strand). Cytogenetic location: 17q11.2.
Variant type: single nucleotide variant.
Coding change: c.5935A>G on transcript NM_001042492.3 (MANE Select); coding-DNA position 5935, A replaced by G.
Protein change: p.Ile1979Val; replaces isoleucine 1979 with valine.
Molecular consequence: missense variant.
Genome position (GRCh38, 1-based): chr17:31,334,960, A>G. VCF-style: chr17-31334960-A-G. GRCh37 (hg19) VCF-style: chr17-29661978-A-G.
Other names: c.5872A>G, p.Ile1958Val (NM_000267.4); short protein forms I1958V, I1979V.
Identifiers: ClinVar variation 527541 (VCV000527541.7), dbSNP rs775480099, ClinGen allele CA8487274.

ClinVar aggregate classification (germline): Uncertain significance. Review status: criteria provided, multiple submitters, no conflicts (2 of 4 stars). 2 submissions from 2 submitters: Uncertain significance (2). Last evaluated 2025-02-26.

Conditions:
Neurofibromatosis, type 1 (NF1). Also called: VON RECKLINGHAUSEN DISEASE; NEUROFIBROMATOSIS, TYPE I, SOMATIC; Peripheral type neurofibromatosis; Neurofibromatosis, type I. Identifiers: Orphanet 636, MedGen C0027831, MONDO:0018975, OMIM 162200. Disease mechanism: loss of function.
Juvenile myelomonocytic leukemia (JMML). Also called: LEUKEMIA, JUVENILE MYELOMONOCYTIC, SOMATIC. Identifiers: Orphanet 86834, MedGen C0349639, MONDO:0011908, OMIM 607785, HP:0012209.

Allele frequency attached by ClinVar (database versions not stated): gnomAD exomes below 0.00001; ExAC 0.00001.
gnomAD v4.1: 1 of 1,613,790 alleles (0.000062%); highest among the groups gnomAD compares: Non-Finnish European, 0.000085%; no homozygotes.

Submissions (2):

Labcorp Genetics (formerly Invitae), Labcorp
Classification: Uncertain significance for Neurofibromatosis, type 1. Last evaluated: 2025-02-26. Review status: criteria provided, single submitter. Criteria: Invitae Variant Classification Sherloc (09022015). Collection method: clinical testing. Allele origin: germline.
Comment: This sequence change replaces isoleucine, which is neutral and non-polar, with valine, which is neutral and non-polar, at codon 1958 of the NF1 protein (p.Ile1958Val). This variant is present in population databases (rs775480099, gnomAD 0.0009%). This variant has not been reported in the literature in individuals affected with NF1-related conditions. ClinVar contains an entry for this variant (Variation ID: 527541). Invitae Evidence Modeling of protein sequence and biophysical properties (such as structural, functional, and spatial information, amino acid conservation, physicochemical variation, residue mobility, and thermodynamic stability) has been performed for this missense variant. However, the output from this modeling did not meet the statistical confidence thresholds required to predict the impact of this variant on NF1 protein function. In summary, the available evidence is currently insufficient to determine the role of this variant in disease. Therefore, it has been classified as a Variant of Uncertain Significance.

Baylor Genetics
Classification: Uncertain significance for Juvenile myelomonocytic leukemia. Last evaluated: 2023-08-28. Review status: criteria provided, single submitter. Criteria: ACMG Guidelines, 2015. Collection method: clinical testing. Allele origin: unknown.